The following is an entry in ClinVar:

NM_001166108.2(PALLD):c.1965-12565G>T

Gene: PALLD (palladin, cytoskeletal associated protein; plus strand). Cytogenetic location: 4q32.3.
Variant type: single nucleotide variant.
Coding change: c.1965-12565G>T on transcript NM_001166108.2 (MANE Select); 12565 bases into the intron before coding-DNA position 1965, G replaced by T.
Molecular consequence: intron variant. On other transcripts: missense variant (1).
Genome position (GRCh38, 1-based): chr4:168,878,357, G>T. VCF-style: chr4-168878357-G-T. GRCh37 (hg19) VCF-style: chr4-169799508-G-T.
Other names: c.819-12565G>T (NM_001166109.2); c.-157-12565G>T (NM_001367570.1, NM_001367568.1, NM_001367567.1 and 1 more transcripts); c.466G>T, p.Val156Phe (NM_001166110.2); c.1965-12565G>T (NM_016081.4); short protein forms V156F.
Identifiers: ClinVar variation 5026251 (VCV005026251.1).

ClinVar aggregate classification (germline): Uncertain significance (1 of 4 stars; one submission).

Submission:

Ambry Genetics
Classification: Uncertain significance. Last evaluated: 2026-08-27. Review status: criteria provided, single submitter. Criteria: Ambry Variant Classification Scheme 2023. Collection method: clinical testing. Allele origin: germline.
Comment: The p.V156F variant (also known as c.466G>T), located in coding exon 1 of the PALLD gene, results from a G to T substitution at nucleotide position 466. The valine at codon 156 is replaced by phenylalanine, an amino acid with highly similar properties. This amino acid position is conserved. In addition, this alteration is predicted to be tolerated by in silico analysis. Based on the available evidence, the clinical significance of this variant remains unclear.